The following is an entry in ClinVar:

ClinVar aggregate classification (germline): Uncertain significance. Review status: criteria provided, multiple submitters, no conflicts (2 of 4 stars). 9 submissions from 6 submitters: Uncertain significance (9). Last evaluated 2026-09-01.

Conditions:
Congenital myopathy 18. Also called: Myopathy, congenital, due to dihydropyridine receptor defect; DIHYDROPYRIDINE RECEPTOR CONGENITAL MYOPATHY; DHPR CONGENITAL MYOPATHY. Identifiers: MedGen C5830283, MONDO:0859514, OMIM 620246.
Hypokalemic periodic paralysis, type 1. Also called: Hypokalemic Periodic Paralysis Type 1 (AD); HypoPP. Identifiers: Orphanet 681, MedGen C3714580, MONDO:0042979, OMIM 170400.
Malignant hyperthermia, susceptibility to, 5 (MHS5). Also called: CACNA1S-Related Malignant Hyperthermia Susceptibility. Identifiers: Orphanet 423, MedGen C1866077, MONDO:0011163, OMIM 601887.
Inborn genetic diseases. Identifiers: MedGen C0950123, MeSH D030342.
Thyrotoxic periodic paralysis, susceptibility to, 1 (TTPP1). Identifiers: Orphanet 79102, MedGen C2749982, MONDO:0008570, OMIM 188580.

Allele frequency attached by ClinVar (database versions not stated): TOPMed 0.00001; gnomAD exomes 0.00001 and below 0.00001; gnomAD 0.00001; ExAC 0.00001.
gnomAD v4.1: 12 of 1,614,106 alleles (0.00074%); highest among the groups gnomAD compares: Non-Finnish European, 0.00093%; no homozygotes.

Submissions (9):

Ambry Genetics
Classification: Uncertain significance for Inborn genetic diseases. Last evaluated: 2026-09-01. Review status: criteria provided, single submitter. Criteria: Ambry Variant Classification Scheme 2023. Collection method: clinical testing. Allele origin: germline.
Comment: The c.1277A>G (p.H426R) alteration is located in exon 10 (coding exon 10) of the CACNA1S gene. This alteration results from a A to G substitution at nucleotide position 1277, causing the histidine (H) at amino acid position 426 to be replaced by an arginine (R). Based on data from gnomAD, the G allele has an overall frequency of <0.001% (1/251488) total alleles studied. The highest observed frequency was 0.001% (1/113764) of European (non-Finnish) alleles. Based on insufficient or conflicting evidence, the clinical significance of this alteration remains unclear.

Labcorp Genetics (formerly Invitae), Labcorp
Classification: Uncertain significance for Hypokalemic periodic paralysis, type 1; Malignant hyperthermia, susceptibility to, 5. Last evaluated: 2024-12-17. Review status: criteria provided, single submitter. Criteria: Invitae Variant Classification Sherloc (09022015). Collection method: clinical testing. Allele origin: germline.
Comment: This sequence change replaces histidine, which is basic and polar, with arginine, which is basic and polar, at codon 426 of the CACNA1S protein (p.His426Arg). This variant is present in population databases (rs749572656, gnomAD 0.0009%). This variant has not been reported in the literature in individuals affected with CACNA1S-related conditions. ClinVar contains an entry for this variant (Variation ID: 1022429). Invitae Evidence Modeling of protein sequence and biophysical properties (such as structural, functional, and spatial information, amino acid conservation, physicochemical variation, residue mobility, and thermodynamic stability) indicates that this missense variant is not expected to disrupt CACNA1S protein function with a negative predictive value of 95%. In summary, the available evidence is currently insufficient to determine the role of this variant in disease. Therefore, it has been classified as a Variant of Uncertain Significance.

All of Us Research Program, National Institutes of Health
Classification: Uncertain significance for Malignant hyperthermia, susceptibility to, 5. Last evaluated: 2023-12-01. Review status: criteria provided, single submitter. Criteria: ACMG Guidelines, 2015. Collection method: clinical testing. Allele origin: germline. Inheritance: Autosomal dominant inheritance. Observed: 1 variant allele, 1 heterozygote.
Comment: This study involves interpretation of variants in research participants for the purpose of population health screening. Participant phenotype was not available at the time of variant classification. Additional details can be found in publication PMID: 35346344, PMCID: PMC8962531

Genome-Nilou Lab
Classification: Uncertain significance for Malignant hyperthermia, susceptibility to, 5. Last evaluated: 2023-04-11. Review status: criteria provided, single submitter. Criteria: ACMG Guidelines, 2015. Collection method: clinical testing. Allele origin: germline. Affected: no.

Genome-Nilou Lab
Classification: Uncertain significance for Thyrotoxic periodic paralysis, susceptibility to, 1. Last evaluated: 2023-04-11. Review status: criteria provided, single submitter. Criteria: ACMG Guidelines, 2015. Collection method: clinical testing. Allele origin: germline. Affected: no.

Genome-Nilou Lab
Classification: Uncertain significance for Congenital myopathy 18. Last evaluated: 2023-04-11. Review status: criteria provided, single submitter. Criteria: ACMG Guidelines, 2015. Collection method: clinical testing. Allele origin: germline. Affected: no.

Genome-Nilou Lab
Classification: Uncertain significance for Hypokalemic periodic paralysis, type 1. Last evaluated: 2023-04-11. Review status: criteria provided, single submitter. Criteria: ACMG Guidelines, 2015. Collection method: clinical testing. Allele origin: germline. Affected: no.

Fulgent Genetics
Classification: Uncertain significance for Hypokalemic periodic paralysis, type 1; Thyrotoxic periodic paralysis, susceptibility to, 1; Malignant hyperthermia, susceptibility to, 5. Last evaluated: 2021-10-25. Review status: criteria provided, single submitter. Criteria: ACMG Guidelines, 2015. Collection method: clinical testing. Allele origin: unknown.

GeneDx
Classification: Uncertain significance. Last evaluated: 2019-06-20. Review status: criteria provided, single submitter. Criteria: GeneDx Variant Classification Process June 2021. Collection method: clinical testing. Allele origin: germline. Affected: yes.
Comment: Not observed at a significant frequency in large population cohorts (Lek et al., 2016); In silico analysis, which includes protein predictors and evolutionary conservation, supports that this variant does not alter protein structure/function; Has not been previously published as pathogenic or benign to our knowledge

NM_000069.3(CACNA1S):c.1277A>G (p.His426Arg)

Gene: CACNA1S (calcium voltage-gated channel subunit alpha1 S; minus strand). Cytogenetic location: 1q32.1.
Variant type: single nucleotide variant.
Coding change: c.1277A>G on transcript NM_000069.3 (MANE Select); coding-DNA position 1277, A replaced by G.
Protein change: p.His426Arg; replaces histidine 426 with arginine.
Molecular consequence: missense variant.
Genome position (GRCh38, 1-based): chr1:201,083,278, T>C on the plus strand (A>G on the coding strand, the complement: CACNA1S is on the minus strand). VCF-style: chr1-201083278-T-C. GRCh37 (hg19) VCF-style: chr1-201052406-T-C.
Other names: short protein forms H426R.
Identifiers: ClinVar variation 1022429 (VCV001022429.13), dbSNP rs749572656, ClinGen allele CA078108.